The following is an entry in ClinVar:

ClinVar aggregate classification (germline): Uncertain significance (1 of 4 stars; one submission).

Conditions:
Joubert syndrome. Also called: CEREBELLOPARENCHYMAL DISORDER IV; JOUBERT-BOLTSHAUSER SYNDROME; Familial aplasia of the vermis. Identifiers: Orphanet 475, MedGen C5979921, MONDO:0018772.
Meckel-Gruber syndrome. Also called: DYSENCEPHALIA SPLANCHNOCYSTICA; GRUBER SYNDROME; Dysencephalia splachnocystica. Identifiers: Orphanet 564, MedGen C0265215, MONDO:0018921.
Nephronophthisis. Also called: Juvenile Nephronophthisis. Identifiers: Orphanet 655, MedGen C0687120, MONDO:0019005, HP:0000090.

Submission:

Labcorp Genetics (formerly Invitae), Labcorp
Classification: Uncertain significance for Joubert syndrome; Meckel-Gruber syndrome; Nephronophthisis. Last evaluated: 2022-06-05. Review status: criteria provided, single submitter. Criteria: Invitae Variant Classification Sherloc (09022015). Collection method: clinical testing. Allele origin: germline.
Comment: Algorithms developed to predict the effect of missense changes on protein structure and function are either unavailable or do not agree on the potential impact of this missense change (SIFT: "Tolerated"; PolyPhen-2: "Probably Damaging"; Align-GVGD: "Class C0"). In summary, the available evidence is currently insufficient to determine the role of this variant in disease. Therefore, it has been classified as a Variant of Uncertain Significance. This variant has not been reported in the literature in individuals affected with CEP290-related conditions. This variant is not present in population databases (gnomAD no frequency). This sequence change replaces glutamic acid, which is acidic and polar, with alanine, which is neutral and non-polar, at codon 2221 of the CEP290 protein (p.Glu2221Ala).

NM_025114.4(CEP290):c.6662A>C (p.Glu2221Ala)

Gene: CEP290 (centrosomal protein 290; minus strand). Cytogenetic location: 12q21.32.
Variant type: single nucleotide variant.
Coding change: c.6662A>C on transcript NM_025114.4 (MANE Select); coding-DNA position 6662, A replaced by C.
Protein change: p.Glu2221Ala; replaces glutamic acid 2221 with alanine.
Molecular consequence: missense variant.
Genome position (GRCh38, 1-based): chr12:88,059,004, T>G on the plus strand (A>C on the coding strand, the complement: CEP290 is on the minus strand). VCF-style: chr12-88059004-T-G. GRCh37 (hg19) VCF-style: chr12-88452781-T-G.
Other names: short protein forms E2221A.
Identifiers: ClinVar variation 2002477 (VCV002002477.4), dbSNP rs2499532128, ClinGen allele CA385977832.